The following is an entry in ClinVar:

ClinVar aggregate classification (germline): Uncertain significance. Review status: criteria provided, multiple submitters, no conflicts (2 of 4 stars). 2 submissions from 2 submitters: Uncertain significance (2). Last evaluated 2023-04-03.

Conditions:
ABL1-related disorder. Also called: ABL1-related condition.

Submissions (2):

PreventionGenetics, part of Exact Sciences
Classification: Uncertain significance for ABL1-related condition. Last evaluated: 2023-04-03. Review status: criteria provided, single submitter. Criteria: ACMG Guidelines, 2015. Collection method: clinical testing. Allele origin: germline.
Comment: The ABL1 c.2869G>A variant is predicted to result in the amino acid substitution p.Val957Ile. To our knowledge, this variant has not been reported in the literature or in a large population database, indicating this variant is rare. At this time, the clinical significance of this variant is uncertain due to the absence of conclusive functional and genetic evidence.

Revvity Omics, Revvity
Classification: Uncertain significance. Last evaluated: 2019-12-29. Review status: criteria provided, single submitter. Criteria: ACMG Guidelines, 2015. Collection method: clinical testing. Allele origin: germline.

NM_005157.6(ABL1):c.2812G>A (p.Val938Ile)

Gene: ABL1 (ABL proto-oncogene 1, non-receptor tyrosine kinase; plus strand). Cytogenetic location: 9q34.12.
Variant type: single nucleotide variant.
Coding change: c.2812G>A on transcript NM_005157.6 (MANE Select); coding-DNA position 2812, G replaced by A.
Protein change: p.Val938Ile; replaces valine 938 with isoleucine.
Molecular consequence: missense variant.
Genome position (GRCh38, 1-based): chr9:130,885,102, G>A. VCF-style: chr9-130885102-G-A. GRCh37 (hg19) VCF-style: chr9-133760489-G-A.
Other names: c.2869G>A, p.Val957Ile (NM_007313.3); short protein forms V938I, V957I.
Identifiers: ClinVar variation 2438791 (VCV002438791.4), dbSNP rs772762636, ClinGen allele CA375258932.